The following is an entry in ClinVar:

NM_002156.5(HSPD1):c.1009G>A (p.Val337Ile)

Gene: HSPD1 (heat shock protein family D (Hsp60) member 1; minus strand). Cytogenetic location: 2q33.1.
Variant type: single nucleotide variant.
Coding change: c.1009G>A on transcript NM_002156.5 (MANE Select); coding-DNA position 1009, G replaced by A.
Protein change: p.Val337Ile; replaces valine 337 with isoleucine.
Molecular consequence: missense variant.
Genome position (GRCh38, 1-based): chr2:197,489,208, C>T on the plus strand (G>A on the coding strand, the complement: HSPD1 is on the minus strand). VCF-style: chr2-197489208-C-T. GRCh37 (hg19) VCF-style: chr2-198353932-C-T.
Other names: c.1009G>A, p.Val337Ile (NM_199440.2); short protein forms V337I.
Identifiers: ClinVar variation 1344351 (VCV001344351.7), dbSNP rs755920309, ClinGen allele CA2043439.
Genomic context (GRCh38, chr2:197,489,208, plus strand): 5'-GCATGGCATCGTCTTTGGTCACAATGACCTCTCCAACTTTTCCTAAGTCATGAGGCTGAA[C>T]GTCTTCAAGATTCAGGGTCAATCCCTCTTCTCCAAACACCTACAAAAAGAGTTAAACGTA-3'
Protein context (NP_002147.2, residues 327-347): EEGLTLNLED[Val337Ile]QPHDLGKVGE

ClinVar aggregate classification (germline): Uncertain significance. Review status: criteria provided, multiple submitters, no conflicts (2 of 4 stars). 3 submissions from 3 submitters: Uncertain significance (3). Last evaluated 2025-09-21.

Conditions:
Inborn genetic diseases. Identifiers: MedGen C0950123, MeSH D030342.
Spastic paraplegia. Identifiers: MedGen C0037772, HP:0001258.
Hereditary spastic paraplegia. Also called: Familial spastic paraparesis. Identifiers: Orphanet 685, MedGen C0037773, MONDO:0019064. Disease mechanism: loss of function.

Allele frequency attached by ClinVar (database versions not stated): gnomAD 0.00001; gnomAD exomes 0.00002 and 0.00003; TOPMed 0.00002; ExAC 0.00003.
gnomAD v4.1: 43 of 1,613,908 alleles (0.0027%); highest among the groups gnomAD compares: Non-Finnish European, 0.0031%; no homozygotes.

Submissions (3):

Ambry Genetics
Classification: Uncertain significance for Inborn genetic diseases. Last evaluated: 2025-09-21. Review status: criteria provided, single submitter. Criteria: Ambry Variant Classification Scheme 2023. Collection method: clinical testing. Allele origin: germline.

Labcorp Genetics (formerly Invitae), Labcorp
Classification: Uncertain significance for Spastic paraplegia. Last evaluated: 2023-08-29. Review status: criteria provided, single submitter. Criteria: Invitae Variant Classification Sherloc (09022015). Collection method: clinical testing. Allele origin: germline.
Comment: In summary, the available evidence is currently insufficient to determine the role of this variant in disease. Therefore, it has been classified as a Variant of Uncertain Significance. This variant has not been reported in the literature in individuals affected with HSPD1-related conditions. This variant is present in population databases (rs755920309, gnomAD 0.005%). This sequence change replaces valine, which is neutral and non-polar, with isoleucine, which is neutral and non-polar, at codon 337 of the HSPD1 protein (p.Val337Ile). ClinVar contains an entry for this variant (Variation ID: 1344351). Advanced modeling of protein sequence and biophysical properties (such as structural, functional, and spatial information, amino acid conservation, physicochemical variation, residue mobility, and thermodynamic stability) performed at Invitae indicates that this missense variant is not expected to disrupt HSPD1 protein function.

Genome Diagnostics Laboratory, The Hospital for Sick Children
Classification: Uncertain significance for Hereditary spastic paraplegia. Last evaluated: 2019-05-01. Review status: criteria provided, single submitter. Criteria: ACMG Guidelines, 2015. Collection method: clinical testing. Allele origin: germline. Affected: yes.